The following is an entry in ClinVar:

NM_000451.4:c.(?_*379)_(*658629_?)dup

Gene: SHOX (SHOX homeobox; plus strand).
Variant type: Duplication.
Other names: c.(?_*379)_(*658629_?)dup (NM_000451.4).
Identifiers: ClinVar variation 4687806 (VCV004687806.1).

ClinVar aggregate classification (germline): Uncertain significance (1 of 4 stars; one submission).

Submission:

Women's Health and Genetics/Laboratory Corporation of America, LabCorp
Classification: Uncertain significance. Last evaluated: 2025-10-23. Review status: criteria provided, single submitter. Criteria: LabCorp Variant Classification Summary - May 2015. Collection method: clinical testing. Allele origin: germline.
Comment: Variant summary: SHOX c.(?_*379)_(*658629_?)dup is located in the untranscribed region downstream of the SHOX gene region (NM_000451). However, in a different transcript (NM_006883) this variant results in the duplication of the last exon. As it duplicates the termination codon, its effect on the encoded protein is unknown. The exact breakpoint at the 3' end of this variant is unknown, therefore this duplication may extend further downstream of the annotated region of the gene. The SHOX gene is located in a pseudoautosomal region of the X and Y chromosomes, and a large duplication variant (size: 133,493 bp), downstream of the coding sequence of NM_000451, and covering the last exon of NM_006883 was found at a frequency of 0.00015 in 124380 control chromosomes in the gnomAD database (Structural Variants v4.1 dataset), including 2 homozygotes. In addition, several similar duplication variants are reported in this region with lower allele frequencies (and with no homozygous occurrences). These reported frequencies are not significantly higher than estimated for disease-causing variants in SHOX, allowing no conclusion about variant significance. To our knowledge, no occurrence of similar variants in individuals affected with SHOX-related conditions and no experimental evidence demonstrating its impact on protein function have been reported. Several submitters have cited clinical-significance assessments for similar duplication variants, and all of them classified these variants as a VUS (see e.g. variation ID: 560114). Based on the evidence outlined above, the variant was classified as uncertain significance.